The following is an entry in ClinVar:

NM_000051.4(ATM):c.754T>G (p.Cys252Gly)

Gene: ATM (ATM serine/threonine kinase; plus strand). Cytogenetic location: 11q22.3.
Variant type: single nucleotide variant.
Coding change: c.754T>G on transcript NM_000051.4 (MANE Select); coding-DNA position 754, T replaced by G.
Protein change: p.Cys252Gly; replaces cysteine 252 with glycine.
Molecular consequence: missense variant.
Genome position (GRCh38, 1-based): chr11:108,244,879, T>G. VCF-style: chr11-108244879-T-G. GRCh37 (hg19) VCF-style: chr11-108115606-T-G.
Other names: c.754T>G, p.Cys252Gly (NM_001351834.2); short protein forms C252G.
Identifiers: ClinVar variation 4747164 (VCV004747164.1).
Genomic context (GRCh38, chr11:108,244,879, plus strand): 5'-ATCTTAGCAGCTCTTACTATCTTCCTCAAGACTTTGGCTGTCAACTTTCGAATTCGAGTG[T>G]GTGAATTAGGAGATGAAATTCTTCCCACTTTGCTTTATATTTGGACTCAACATAGGCTTA-3'
Protein context (NP_000042.3, residues 242-262): TLAVNFRIRV[Cys252Gly]ELGDEILPTL

ClinVar aggregate classification (germline): Uncertain significance (1 of 4 stars; one submission).

Conditions:
Ataxia-telangiectasia syndrome (AT). Also called: Ataxia-telangiectasia, complementation group D; AT, COMPLEMENTATION GROUP C; Ataxia-telangiectasia; Ataxia telangiectasia (A-T); LOUIS-BAR SYNDROME; Cerebello-oculocutaneous telangiectasia. Identifiers: Orphanet 100, MedGen C0004135, MONDO:0008840, OMIM 208900.

gnomAD v4.1: 1 of 1,613,898 alleles (0.000062%); highest among the groups gnomAD compares: Admixed American, 0.0017%; no homozygotes.

Submission:

Labcorp Genetics (formerly Invitae), Labcorp
Classification: Uncertain significance for Ataxia-telangiectasia syndrome. Last evaluated: 2025-08-20. Review status: criteria provided, single submitter. Criteria: Invitae Variant Classification Sherloc (09022015). Collection method: clinical testing. Allele origin: germline.
Comment: This sequence change replaces cysteine, which is neutral and slightly polar, with glycine, which is neutral and non-polar, at codon 252 of the ATM protein (p.Cys252Gly). This variant is present in population databases (no rsID available, gnomAD 0.003%). This variant has not been reported in the literature in individuals affected with ATM-related conditions. Invitae Evidence Modeling of protein sequence and biophysical properties (such as structural, functional, and spatial information, amino acid conservation, physicochemical variation, residue mobility, and thermodynamic stability) has been performed for this missense variant. However, the output from this modeling did not meet the statistical confidence thresholds required to predict the impact of this variant on ATM protein function. In summary, the available evidence is currently insufficient to determine the role of this variant in disease. Therefore, it has been classified as a Variant of Uncertain Significance.